The following is an entry in ClinVar:

ClinVar aggregate classification (germline): Uncertain significance. Review status: criteria provided, multiple submitters, no conflicts (2 of 4 stars). 2 submissions from 2 submitters: Uncertain significance (2). Last evaluated 2025-11-18.

Conditions:
INVS-related disorder. Also called: INVS-related condition.
Nephronophthisis. Also called: Juvenile Nephronophthisis. Identifiers: Orphanet 655, MedGen C0687120, MONDO:0019005, HP:0000090.

Allele frequency attached by ClinVar (database versions not stated): ExAC 0.00001; gnomAD exomes 0.00001.
gnomAD v4.1: 5 of 1,606,820 alleles (0.00031%); highest among the groups gnomAD compares: Admixed American, 0.0083%; no homozygotes.

Submissions (2):

PreventionGenetics, part of Exact Sciences
Classification: Uncertain significance for INVS-related condition. Last evaluated: 2025-11-18. Review status: criteria provided, single submitter. Criteria: ACMG Guidelines, 2015. Collection method: clinical testing. Allele origin: germline.
Comment: The INVS c.104T>C variant is predicted to result in the amino acid substitution p.Val35Ala. To our knowledge, this variant has not been reported in the literature. This variant is reported in 0.017% of alleles in individuals of Latino descent in gnomAD. At this time, the clinical significance of this variant is uncertain due to the absence of conclusive functional and genetic evidence.

Labcorp Genetics (formerly Invitae), Labcorp
Classification: Uncertain significance for Nephronophthisis. Last evaluated: 2022-07-09. Review status: criteria provided, single submitter. Criteria: Invitae Variant Classification Sherloc (09022015). Collection method: clinical testing. Allele origin: germline.
Comment: This sequence change replaces valine, which is neutral and non-polar, with alanine, which is neutral and non-polar, at codon 35 of the INVS protein (p.Val35Ala). This variant is present in population databases (rs759095839, gnomAD 0.01%). This variant has not been reported in the literature in individuals affected with INVS-related conditions. Algorithms developed to predict the effect of missense changes on protein structure and function output the following: SIFT: "Tolerated"; PolyPhen-2: "Benign"; Align-GVGD: "Class C0". The alanine amino acid residue is found in multiple mammalian species, which suggests that this missense change does not adversely affect protein function. In summary, the available evidence is currently insufficient to determine the role of this variant in disease. Therefore, it has been classified as a Variant of Uncertain Significance.

NM_014425.5(INVS):c.104T>C (p.Val35Ala)

Gene: INVS (inversin; plus strand). Cytogenetic location: 9q31.1.
Variant type: single nucleotide variant.
Coding change: c.104T>C on transcript NM_014425.5 (MANE Select); coding-DNA position 104, T replaced by C.
Protein change: p.Val35Ala; replaces valine 35 with alanine.
Molecular consequence: missense variant. On other transcripts: 5 prime UTR variant (2), non-coding transcript variant (1).
Genome position (GRCh38, 1-based): chr9:100,104,625, T>C. VCF-style: chr9-100104625-T-C. GRCh37 (hg19) VCF-style: chr9-102866907-T-C.
Other names: c.104T>C (NM_014425.4); c.-273T>C (NM_001318381.2); c.-886T>C (NM_001318382.2); short protein forms V35A.
Identifiers: ClinVar variation 1929210 (VCV001929210.6), dbSNP rs759095839, ClinGen allele CA5158062.